The following is an entry in ClinVar:

NM_001348768.2(HECW2):c.3956T>C (p.Ile1319Thr)

Gene: HECW2 (HECT, C2 and WW domain containing E3 ubiquitin protein ligase 2; minus strand). Cytogenetic location: 2q32.3.
Variant type: single nucleotide variant.
Coding change: c.3956T>C on transcript NM_001348768.2 (MANE Select); coding-DNA position 3956, T replaced by C.
Protein change: p.Ile1319Thr; replaces isoleucine 1319 with threonine.
Molecular consequence: missense variant.
Genome position (GRCh38, 1-based): chr2:196,225,832, A>G on the plus strand (T>C on the coding strand, the complement: HECW2 is on the minus strand). VCF-style: chr2-196225832-A-G. GRCh37 (hg19) VCF-style: chr2-197090556-A-G.
Other names: c.2888T>C, p.Ile963Thr (NM_001304840.3); c.3956T>C, p.Ile1319Thr (NM_020760.4); short protein forms I1319T, I963T.
Identifiers: ClinVar variation 2505245 (VCV002505245.1), dbSNP rs2468608625, ClinGen allele CA349949818.

ClinVar aggregate classification (germline): Uncertain significance (1 of 4 stars; one submission).

Submission:

Greenwood Genetic Center Diagnostic Laboratories, Greenwood Genetic Center
Classification: Uncertain significance. Last evaluated: 2023-01-26. Review status: criteria provided, single submitter. Criteria: ACMG Guidelines, 2015. Collection method: clinical testing. Allele origin: germline. Affected: yes.
Comment: PM2, PP2